The following is an entry in ClinVar:

ClinVar aggregate classification (germline): Likely pathogenic (1 of 4 stars; one submission).

Conditions:
Familial thoracic aortic aneurysm and aortic dissection (TAAD). Also called: Thoracic aortic aneurysms and dissections. Identifiers: Orphanet 91387, MedGen C4707243, MONDO:0019625.
Marfan syndrome (MFS). Also called: Marfan syndrome type 1; Marfan syndrome, classic; Marfan's syndrome; FBN1-Related Marfan Syndrome; MARFAN SYNDROME, TYPE I. Identifiers: Orphanet 284963, Orphanet 558, MedGen C0024796, MONDO:0007947, OMIM 154700.

Submission:

Labcorp Genetics (formerly Invitae), Labcorp
Classification: Likely pathogenic for Marfan syndrome; Familial thoracic aortic aneurysm and aortic dissection. Last evaluated: 2024-12-20. Review status: criteria provided, single submitter. Criteria: Invitae Variant Classification Sherloc (09022015). Collection method: clinical testing. Allele origin: germline.
Comment: This sequence change replaces tyrosine, which is neutral and polar, with cysteine, which is neutral and slightly polar, at codon 2433 of the FBN1 protein (p.Tyr2433Cys). This variant is not present in population databases (gnomAD no frequency). This missense change has been observed in individuals with clinical features of Marfan syndrome (PMID: 25101912; internal data). ClinVar contains an entry for this variant (Variation ID: 527193). Invitae Evidence Modeling of protein sequence and biophysical properties (such as structural, functional, and spatial information, amino acid conservation, physicochemical variation, residue mobility, and thermodynamic stability) indicates that this missense variant is expected to disrupt FBN1 protein function with a positive predictive value of 95%. In summary, the currently available evidence indicates that the variant is pathogenic, but additional data are needed to prove that conclusively. Therefore, this variant has been classified as Likely Pathogenic.

Literature cited by the submitters: PubMed 25101912.

NM_000138.5(FBN1):c.7298A>G (p.Tyr2433Cys)

Gene: FBN1 (fibrillin 1; minus strand). Cytogenetic location: 15q21.1.
Variant type: single nucleotide variant.
Coding change: c.7298A>G on transcript NM_000138.5 (MANE Select); coding-DNA position 7298, A replaced by G.
Protein change: p.Tyr2433Cys; replaces tyrosine 2433 with cysteine.
Molecular consequence: missense variant.
Genome position (GRCh38, 1-based): chr15:48,425,771, T>C on the plus strand (A>G on the coding strand, the complement: FBN1 is on the minus strand). VCF-style: chr15-48425771-T-C. GRCh37 (hg19) VCF-style: chr15-48717968-T-C.
Other names: short protein forms Y2433C.
Identifiers: ClinVar variation 527193 (VCV000527193.10), dbSNP rs1555394437, ClinGen allele CA392328543.